The following is an entry in ClinVar:

ClinVar aggregate classification (germline): Uncertain significance. Review status: criteria provided, multiple submitters, no conflicts (2 of 4 stars). 2 submissions from 2 submitters: Uncertain significance (2). Last evaluated 2023-09-03.

Conditions:
Charcot-Marie-Tooth disease type 2. Also called: Charcot-Marie-Tooth type 2. Identifiers: Orphanet 64746, MedGen C0270914, MONDO:0018993.
Inborn genetic diseases. Identifiers: MedGen C0950123, MeSH D030342.

Allele frequency attached by ClinVar (database versions not stated): ExAC 0.00001.

Submissions (2):

Labcorp Genetics (formerly Invitae), Labcorp
Classification: Uncertain significance for Charcot-Marie-Tooth disease type 2. Last evaluated: 2023-09-03. Review status: criteria provided, single submitter. Criteria: Invitae Variant Classification Sherloc (09022015). Collection method: clinical testing. Allele origin: germline.
Comment: This sequence change replaces glutamine, which is neutral and polar, with histidine, which is basic and polar, at codon 960 of the AARS protein (p.Gln960His). This variant is present in population databases (rs779509100, gnomAD 0.003%). This variant has not been reported in the literature in individuals affected with AARS-related conditions. ClinVar contains an entry for this variant (Variation ID: 2234316). Advanced modeling of protein sequence and biophysical properties (such as structural, functional, and spatial information, amino acid conservation, physicochemical variation, residue mobility, and thermodynamic stability) performed at Invitae indicates that this missense variant is not expected to disrupt AARS protein function. In summary, the available evidence is currently insufficient to determine the role of this variant in disease. Therefore, it has been classified as a Variant of Uncertain Significance.

Ambry Genetics
Classification: Uncertain significance for Inborn genetic diseases. Last evaluated: 2021-06-22. Review status: criteria provided, single submitter. Criteria: Ambry Variant Classification Scheme 2023. Collection method: clinical testing. Allele origin: germline.

NM_001605.3(AARS1):c.2880G>C (p.Gln960His)

Gene: AARS1 (alanyl-tRNA synthetase 1; minus strand). Cytogenetic location: 16q22.1.
Variant type: single nucleotide variant.
Coding change: c.2880G>C on transcript NM_001605.3 (MANE Select); coding-DNA position 2880, G replaced by C.
Protein change: p.Gln960His; replaces glutamine 960 with histidine.
Molecular consequence: missense variant.
Genome position (GRCh38, 1-based): chr16:70,252,748, C>G on the plus strand (G>C on the coding strand, the complement: AARS1 is on the minus strand). VCF-style: chr16-70252748-C-G. GRCh37 (hg19) VCF-style: chr16-70286651-C-G.
Other names: short protein forms Q960H.
Identifiers: ClinVar variation 2234316 (VCV002234316.5), dbSNP rs779509100, ClinGen allele CA8140253.
Genomic context (GRCh38, chr16:70,252,748, plus strand): 5'-GATGGATCCAGTGGGAGCCTCCTCCTTCCCCACTCAGTTCTTTACATCCCCGAGGCGCAG[C>G]TGGGCGAAGGAAGTGGCCAGCTGCAGCGCCTCCTGCAGGCAGCCAACGTTCTTGCCTGTG-3'
Protein context (NP_001596.2, residues 950-968): EALQLATSFA[Gln960His]LRLGDVKN